The following is an entry in ClinVar:

NM_178844.4(NLRC3):c.1929-115C>G

Gene: NLRC3 (NLR family CARD domain containing 3; minus strand). Cytogenetic location: 16p13.3.
Variant type: single nucleotide variant.
Coding change: c.1929-115C>G on transcript NM_178844.4 (MANE Select); 115 bases into the intron before coding-DNA position 1929, C replaced by G.
Molecular consequence: intron variant.
Genome position (GRCh38, 1-based): chr16:3,561,903, G>C on the plus strand (C>G on the coding strand, the complement: NLRC3 is on the minus strand). VCF-style: chr16-3561903-G-C. GRCh37 (hg19) VCF-style: chr16-3611904-G-C.
Identifiers: ClinVar variation 103363 (VCV000103363.2), dbSNP rs199476279, ClinGen allele CA230476.
Genomic context (GRCh38, chr16:3,561,903, plus strand): 5'-GGGCCCTGGCCCGGGGCCTCTGCCTCTCTCCATCCCATGCAGCGCTATCACCGCAGCTCT[G>C]AGATCTGCGCTCAGCCCCAGTGCTCAGACCTTTCCCGTGAGAGTGAACAGGAGGCTGGGT-3'

ClinVar aggregate classification (germline): not provided (0 of 4 stars; one submission).

Allele frequency attached by ClinVar (database versions not stated): gnomAD exomes below 0.00001; gnomAD 0.00001.
gnomAD v4.1: 3 of 736,522 alleles (0.00041%); highest among the groups gnomAD compares: Non-Finnish European, 0.00072%; no homozygotes.

Submission:

Human Evolutionary Genetics, Institut Pasteur
No classification provided. Review status: no classification provided. Collection method: not provided. Allele origin: germline.
ClinVar note: Converted during submission from untested to not provided.